The following is an entry in ClinVar:

ClinVar aggregate classification (germline): Benign (0 of 4 stars; one submission).

Conditions:
DNAH17-related disorder. Also called: DNAH17-related condition.

Allele frequency attached by ClinVar (database versions not stated): gnomAD exomes 0.00049; ExAC 0.00165; ESP Exome Variant Server 0.00473; 1000 Genomes Project 0.00479; gnomAD 0.00534; TOPMed 0.00575; 1000 Genomes Project 30x 0.00578.
gnomAD v4.1: 1,572 of 1,613,998 alleles (0.097%); highest among the groups gnomAD compares: African/African-American, 1.9%; 16 homozygotes.

Submission:

PreventionGenetics, part of Exact Sciences
Classification: Benign for DNAH17-related condition. Last evaluated: 2019-08-13. Review status: no assertion criteria provided. Collection method: clinical testing. Allele origin: germline.
Comment: This variant is classified as benign based on ACMG/AMP sequence variant interpretation guidelines (Richards et al. 2015 PMID: 25741868, with internal and published modifications).

NM_173628.4(DNAH17):c.52A>G (p.Ile18Val)

Gene: DNAH17 (dynein axonemal heavy chain 17; minus strand). Cytogenetic location: 17q25.3.
Variant type: single nucleotide variant.
Coding change: c.52A>G on transcript NM_173628.4 (MANE Select); coding-DNA position 52, A replaced by G.
Protein change: p.Ile18Val; replaces isoleucine 18 with valine.
Molecular consequence: missense variant.
Genome position (GRCh38, 1-based): chr17:78,575,006, T>C on the plus strand (A>G on the coding strand, the complement: DNAH17 is on the minus strand). VCF-style: chr17-78575006-T-C. GRCh37 (hg19) VCF-style: chr17-76571088-T-C.
Other names: short protein forms I18V.
Identifiers: ClinVar variation 3044582 (VCV003044582.2), dbSNP rs148117247, ClinGen allele CA8805801.